The following is an entry in ClinVar:

NM_004415.4(DSP):c.4872T>C (p.Ile1624=)

Gene: DSP (desmoplakin; plus strand). Cytogenetic location: 6p24.3.
Variant type: single nucleotide variant.
Coding change: c.4872T>C on transcript NM_004415.4 (MANE Select); coding-DNA position 4872, T replaced by C.
Protein change: p.Ile1624=; no amino-acid change (isoleucine 1624 retained).
Molecular consequence: synonymous variant. On other transcripts: intron variant (2).
Genome position (GRCh38, 1-based): chr6:7,581,062, T>C. VCF-style: chr6-7581062-T-C. GRCh37 (hg19) VCF-style: chr6-7581295-T-C.
Other names: c.4050+822T>C (NM_001319034.2); c.3582+1290T>C (NM_001008844.3).
Identifiers: ClinVar variation 3075495 (VCV003075495.2), dbSNP rs1759421652, ClinGen allele CA448715063.

ClinVar aggregate classification (germline): Likely benign. Review status: criteria provided, multiple submitters, no conflicts (2 of 4 stars). 2 submissions from 2 submitters: Likely benign (2). Last evaluated 2024-02-05.

Conditions:
Cardiomyopathy (CMYO). Also called: Cardiomyopathies. Identifiers: Orphanet 167848, MedGen C0878544, MONDO:0004994, HP:0001638. Inheritance: Various modes of inheritance.
Arrhythmogenic cardiomyopathy with wooly hair and keratoderma. Also called: PALMOPLANTAR KERATODERMA WITH LEFT VENTRICULAR CARDIOMYOPATHY AND WOOLLY HAIR; Carvajal syndrome; Dilated cardiomyopathy with woolly hair and keratoderma; Arrhythmogenic cardiomyopathy with woolly hair and keratoderma. Identifiers: Orphanet 65282, MedGen C1854063, MONDO:0011581, OMIM 605676.

Allele frequency attached by ClinVar (database versions not stated): gnomAD exomes below 0.00001.
gnomAD v4.1: 2 of 1,613,868 alleles (0.00012%); highest among the groups gnomAD compares: African/African-American, 0.0013%; no homozygotes.

Submissions (2):

All of Us Research Program, National Institutes of Health
Classification: Likely benign for Arrhythmogenic cardiomyopathy with wooly hair and keratoderma. Last evaluated: 2024-02-05. Review status: criteria provided, single submitter. Criteria: ACMG Guidelines, 2015. Collection method: clinical testing. Allele origin: germline. Inheritance: Autosomal dominant inheritance. Observed: 1 variant allele, 1 heterozygote.
Comment: This study involves interpretation of variants in research participants for the purpose of population health screening. Participant phenotype was not available at the time of variant classification. Additional details can be found in publication PMID: 35346344, PMCID: PMC8962531

Color Diagnostics, LLC DBA Color Health
Classification: Likely benign for Cardiomyopathy. Last evaluated: 2024-01-29. Review status: criteria provided, single submitter. Criteria: ACMG Guidelines, 2015. Collection method: clinical testing. Allele origin: germline.